The following is an entry in ClinVar:

NM_000548.5(TSC2):c.2742+3G>A

Gene: TSC2 (TSC complex subunit 2; plus strand). Cytogenetic location: 16p13.3.
Variant type: single nucleotide variant.
Coding change: c.2742+3G>A on transcript NM_000548.5 (MANE Select); 3 bases into the intron after coding-DNA position 2742, G replaced by A.
Molecular consequence: intron variant.
Genome position (GRCh38, 1-based): chr16:2,076,173, G>A. VCF-style: chr16-2076173-G-A. GRCh37 (hg19) VCF-style: chr16-2126174-G-A.
Other names: c.2742+3G>A (NM_001114382.3, NM_021055.3, NM_001370405.1 and 4 more transcripts); c.2631+3G>A (NM_001318827.2); c.2142+3G>A (NM_001318831.2); c.2595+3G>A (NM_001318829.2); c.2775+3G>A (NM_001318832.2).
Identifiers: ClinVar variation 535860 (VCV000535860.22), dbSNP rs373935836, ClinGen allele CA041345.

ClinVar aggregate classification (germline): Conflicting classifications of pathogenicity. Review status: criteria provided, conflicting classifications (1 of 4 stars). 6 submissions from 6 submitters: Uncertain significance (1); Benign (2); Likely benign (3). Last evaluated 2025-11-09.

Conditions:
Tuberous sclerosis 2 (TSC2). Identifiers: Orphanet 805, MedGen C1860707, MONDO:0013199, OMIM 613254.
TSC2-related disorder. Also called: TSC2-related condition; TSC2-Related Disorders.
Hereditary cancer-predisposing syndrome. Also called: Tumor predisposition; Hereditary neoplastic syndrome; Neoplastic Syndromes, Hereditary; Hereditary Cancer Syndrome. Identifiers: Orphanet 140162, MedGen C0027672, MeSH D009386, MONDO:0015356.
Tuberous sclerosis syndrome (TSC). Also called: Tuberous Sclerosis Complex; Tuberous sclerosis. Identifiers: Orphanet 805, MedGen C0041341, MONDO:0001734.

Allele frequency attached by ClinVar (database versions not stated): gnomAD exomes below 0.00001 and 0.00001; ExAC 0.00001; gnomAD 0.00001; TOPMed 0.00002; ESP Exome Variant Server 0.00008.
gnomAD v4.1: 9 of 1,613,464 alleles (0.00056%); highest among the groups gnomAD compares: African/African-American, 0.0053%; no homozygotes.

Submissions (6):

Labcorp Genetics (formerly Invitae), Labcorp
Classification: Benign for Tuberous sclerosis 2. Last evaluated: 2025-11-09. Review status: criteria provided, single submitter. Criteria: Invitae Variant Classification Sherloc (09022015). Collection method: clinical testing. Allele origin: germline.

Color Diagnostics, LLC DBA Color Health
Classification: Uncertain significance for Tuberous sclerosis syndrome. Last evaluated: 2025-07-09. Review status: criteria provided, single submitter. Criteria: ACMG Guidelines, 2015. Collection method: clinical testing. Allele origin: germline.
Comment: This variant causes a G to A nucleotide substitution at the +3 position of intron 24 of the TSC2 gene. To our knowledge, RNA studies have not been reported for this variant. This variant has not been reported in individuals affected with TSC2-related disorders in the literature. This variant has been identified in 2/250260 chromosomes in the general population by the Genome Aggregation Database (gnomAD). The available evidence is insufficient to determine the role of this variant in disease conclusively. Therefore, this variant is classified as a Variant of Uncertain Significance.

PreventionGenetics, part of Exact Sciences
Classification: Likely benign for TSC2-related condition. Last evaluated: 2024-11-25. Review status: criteria provided, single submitter. Criteria: ACMG Guidelines, 2015. Collection method: clinical testing. Allele origin: germline.
Comment: This variant is classified as likely benign based on ACMG/AMP sequence variant interpretation guidelines (Richards et al. 2015 PMID: 25741868, with internal and published modifications).

Myriad Genetics, Inc.
Classification: Benign for Tuberous sclerosis 2. Last evaluated: 2024-09-09. Review status: criteria provided, single submitter. Criteria: Myriad Autosomal Dominant, Autosomal Recessive and X-Linked Classification Criteria (2023). Collection method: clinical testing. Allele origin: unknown.
Comment: This variant is considered benign. This variant is intronic and is not expected to impact mRNA splicing. This variant has been observed at a population frequency that is significantly greater than expected given the associated disease prevalence and penetrance.

Ambry Genetics
Classification: Likely benign for Hereditary cancer-predisposing syndrome. Last evaluated: 2022-05-25. Review status: criteria provided, single submitter. Criteria: Ambry Variant Classification Scheme 2023. Collection method: clinical testing. Allele origin: germline.

Genome-Nilou Lab
Classification: Likely benign for Tuberous sclerosis 2. Last evaluated: 2021-11-07. Review status: criteria provided, single submitter. Criteria: ACMG Guidelines, 2015. Collection method: clinical testing. Allele origin: germline. Affected: no.